The following is an entry in ClinVar:

NM_003052.5(SLC34A1):c.1481C>A (p.Thr494Lys)

Gene: SLC34A1 (solute carrier family 34 member 1; plus strand). Cytogenetic location: 5q35.3.
Variant type: single nucleotide variant.
Coding change: c.1481C>A on transcript NM_003052.5 (MANE Select); coding-DNA position 1481, C replaced by A.
Protein change: p.Thr494Lys; replaces threonine 494 with lysine.
Molecular consequence: missense variant.
Genome position (GRCh38, 1-based): chr5:177,397,847, C>A. VCF-style: chr5-177397847-C-A. GRCh37 (hg19) VCF-style: chr5-176824848-C-A.
Other names: short protein forms T494K.
Identifiers: ClinVar variation 2087763 (VCV002087763.4), dbSNP rs996912407, ClinGen allele CA362316232.

ClinVar aggregate classification (germline): Uncertain significance (1 of 4 stars; one submission).

gnomAD v4.1: 2 of 1,613,610 alleles (0.00012%); highest among the groups gnomAD compares: Non-Finnish European, 0.00017%; no homozygotes.

Submission:

Labcorp Genetics (formerly Invitae), Labcorp
Classification: Uncertain significance. Last evaluated: 2022-07-05. Review status: criteria provided, single submitter. Criteria: Invitae Variant Classification Sherloc (09022015). Collection method: clinical testing. Allele origin: germline.
Comment: In summary, the available evidence is currently insufficient to determine the role of this variant in disease. Therefore, it has been classified as a Variant of Uncertain Significance. Algorithms developed to predict the effect of missense changes on protein structure and function (SIFT, PolyPhen-2, Align-GVGD) all suggest that this variant is likely to be disruptive. This variant has not been reported in the literature in individuals affected with SLC34A1-related conditions. This variant is not present in population databases (gnomAD no frequency). This sequence change replaces threonine, which is neutral and polar, with lysine, which is basic and polar, at codon 494 of the SLC34A1 protein (p.Thr494Lys).